The following is an entry in ClinVar:

ClinVar aggregate classification (germline): Uncertain significance (1 of 4 stars; one submission).

Conditions:
Brachyolmia-amelogenesis imperfecta syndrome. Also called: PLATYSPONDYLY WITH AMELOGENESIS IMPERFECTA; Tooth agenesis, selective, 6; Dental anomalies and short stature. Identifiers: Orphanet 2899, MedGen C1832594, MONDO:0011018, OMIM 601216. Disease mechanism: loss of function.

Submission:

Labcorp Genetics (formerly Invitae), Labcorp
Classification: Uncertain significance for Brachyolmia-amelogenesis imperfecta syndrome. Last evaluated: 2022-04-01. Review status: criteria provided, single submitter. Criteria: Invitae Variant Classification Sherloc (09022015). Collection method: clinical testing. Allele origin: germline.
Comment: This sequence change replaces proline, which is neutral and non-polar, with leucine, which is neutral and non-polar, at codon 1111 of the LTBP3 protein (p.Pro1111Leu). This variant is present in population databases (no rsID available, gnomAD 0.007%). This variant has not been reported in the literature in individuals affected with LTBP3-related conditions. Algorithms developed to predict the effect of missense changes on protein structure and function are either unavailable or do not agree on the potential impact of this missense change (SIFT: "Deleterious"; PolyPhen-2: "Possibly Damaging"; Align-GVGD: "Class C0"). In summary, the available evidence is currently insufficient to determine the role of this variant in disease. Therefore, it has been classified as a Variant of Uncertain Significance.

NM_001130144.3(LTBP3):c.3332C>T (p.Pro1111Leu)

Genes: LTBP3 (latent transforming growth factor beta binding protein 3; minus strand), LOC130006027 (ATAC-STARR-seq lymphoblastoid silent region 3530; plus strand). Cytogenetic location: 11q13.1.
Variant type: single nucleotide variant.
Coding change: c.3332C>T on transcript NM_001130144.3 (MANE Select); coding-DNA position 3332, C replaced by T.
Protein change: p.Pro1111Leu; replaces proline 1111 with leucine.
Molecular consequence: missense variant. On other transcripts: intron variant (2).
Genome position (GRCh38, 1-based): chr11:65,540,066, G>A on the plus strand (C>T on the coding strand, the complement: LTBP3 is on the minus strand). VCF-style: chr11-65540066-G-A. GRCh37 (hg19) VCF-style: chr11-65307537-G-A.
Other names: c.2893+179C>T (NM_001164266.1); c.3244+179C>T (NM_021070.4); short protein forms P1111L.
Identifiers: ClinVar variation 1946183 (VCV001946183.5), dbSNP rs1260387556, ClinGen allele CA381267119.
Genomic context (GRCh38, chr11:65,540,066, plus strand): 5'-CCCTCACCGGCCGGGCTCTCGGGGAGCTGGCAATCGCGGCCGGAGGGCCCGGGCACCCAG[G>A]GCGGGCGACACTCGCAGCGGTAGGAGCCCGGCAGGTTGACGCAGCGGCCAGGGCGGCAGG-3'
Protein context (NP_001123616.1, residues 1101-1121): PGSYRCECRP[Pro1111Leu]WVPGPSGRDC